The following is an entry in ClinVar:

ClinVar aggregate classification (germline): Pathogenic (1 of 4 stars; one submission).

Conditions:
Kabuki syndrome 2 (KABUK2). Also called: KDM6A-Related Kabuki Syndrome. Identifiers: Orphanet 2322, MedGen C3275495, MONDO:0010465, OMIM 300867.

Submission:

Labcorp Genetics (formerly Invitae), Labcorp
Classification: Pathogenic for Kabuki syndrome 2. Last evaluated: 2022-08-31. Review status: criteria provided, single submitter. Criteria: Invitae Variant Classification Sherloc (09022015). Collection method: clinical testing. Allele origin: germline.
Comment: For these reasons, this variant has been classified as Pathogenic. ClinVar contains an entry for this variant (Variation ID: 1360596). This variant has not been reported in the literature in individuals affected with KDM6A-related conditions. This variant is not present in population databases (gnomAD no frequency). This sequence change creates a premature translational stop signal (p.Gln710*) in the KDM6A gene. It is expected to result in an absent or disrupted protein product. Loss-of-function variants in KDM6A are known to be pathogenic (PMID: 23076834, 23913813).

Literature cited by the submitters: PubMed 23076834; PubMed 23913813.

NM_001291415.2(KDM6A):c.2284C>T (p.Gln762Ter)

Gene: KDM6A (lysine demethylase 6A; plus strand). Cytogenetic location: Xp11.3.
Variant type: single nucleotide variant.
Coding change: c.2284C>T on transcript NM_001291415.2 (MANE Select); coding-DNA position 2284, C replaced by T.
Protein change: p.Gln762Ter; replaces glutamine 762 with a stop codon.
Molecular consequence: nonsense. On other transcripts: non-coding transcript variant (1).
Genome position (GRCh38, 1-based): chrX:45,069,783, C>T. VCF-style: chrX-45069783-C-T. GRCh37 (hg19) VCF-style: chrX-44929028-C-T.
Other names: c.2149C>T, p.Gln717Ter (NM_001291416.2); c.1993C>T, p.Gln665Ter (NM_001291417.2); c.1891C>T, p.Gln631Ter (NM_001291418.2); c.1240C>T, p.Gln414Ter (NM_001291421.2); c.2128C>T, p.Gln710Ter (NM_021140.4); short protein forms Q710*, Q414*, Q631*, Q665*, Q717*, Q762*.
Identifiers: ClinVar variation 1360596 (VCV001360596.6), dbSNP rs1358181248, ClinGen allele CA412793108.
Genomic context (GRCh38, chrX:45,069,783, plus strand): 5'-GTAACACAGGGGGCTGCTCTCAATCACCTCTCCTCTCACACTGCTACCTCAGGTGGACAA[C>T]AAGGCATTACCTTAACCAAAGAGAGCAAGCCTTCAGGAAACATATTGACGGTGCCTGAAA-3'